The following is an entry in ClinVar:

ClinVar aggregate classification (germline): Conflicting classifications of pathogenicity. Review status: criteria provided, conflicting classifications (1 of 4 stars). 2 submissions from 2 submitters: Uncertain significance (1); Likely benign (1). Last evaluated 2025-12-16.

Conditions:
Inborn genetic diseases. Identifiers: MedGen C0950123, MeSH D030342.
L-2-hydroxyglutaric aciduria (L2HGA). Identifiers: Orphanet 79314, MedGen C1855995, MONDO:0009370, OMIM 236792, HP:0040144.

Allele frequency attached by ClinVar (database versions not stated): gnomAD exomes 0.00001; gnomAD 0.00009; TOPMed 0.00011.
gnomAD v4.1: 24 of 1,576,506 alleles (0.0015%); highest among the groups gnomAD compares: African/African-American, 0.03%; no homozygotes.

Submissions (2):

Ambry Genetics
Classification: Likely benign for Inborn genetic diseases. Last evaluated: 2025-12-16. Review status: criteria provided, single submitter. Criteria: Ambry Variant Classification Scheme 2023. Collection method: clinical testing. Allele origin: germline.

Labcorp Genetics (formerly Invitae), Labcorp
Classification: Uncertain significance for L-2-hydroxyglutaric aciduria. Last evaluated: 2022-04-12. Review status: criteria provided, single submitter. Criteria: Invitae Variant Classification Sherloc (09022015). Collection method: clinical testing. Allele origin: germline.
Comment: In summary, the available evidence is currently insufficient to determine the role of this variant in disease. Therefore, it has been classified as a Variant of Uncertain Significance. Algorithms developed to predict the effect of missense changes on protein structure and function output the following: SIFT: "Tolerated"; PolyPhen-2: "Benign"; Align-GVGD: "Class C0". The glycine amino acid residue is found in multiple mammalian species, which suggests that this missense change does not adversely affect protein function. This variant has not been reported in the literature in individuals affected with L2HGDH-related conditions. This variant is present in population databases (no rsID available, gnomAD 0.04%). This sequence change replaces serine, which is neutral and polar, with glycine, which is neutral and non-polar, at codon 41 of the L2HGDH protein (p.Ser41Gly).

NM_024884.3(L2HGDH):c.121A>G (p.Ser41Gly)

Genes: DMAC2L (distal membrane arm assembly component 2 like; plus strand), L2HGDH (L-2-hydroxyglutarate dehydrogenase; minus strand). Cytogenetic location: 14q21.3.
Variant type: single nucleotide variant.
Coding change: c.121A>G on transcript NM_024884.3 (MANE Select); coding-DNA position 121, A replaced by G.
Protein change: p.Ser41Gly; replaces serine 41 with glycine.
Molecular consequence: missense variant. On other transcripts: 5 prime UTR variant (6), intron variant (1).
Genome position (GRCh38, 1-based): chr14:50,312,030, T>C on the plus strand (A>G on the coding strand, the complement: L2HGDH is on the minus strand). VCF-style: chr14-50312030-T-C. GRCh37 (hg19) VCF-style: chr14-50778748-T-C.
Other names: c.121A>G, p.Ser41Gly (NM_001425212.1); c.-134A>G (NM_001425213.1, NM_001425214.1); c.-648A>G (NM_001425215.1); c.-490A>G (NM_001425216.1); c.-583A>G (NM_001425217.1); c.-505A>G (NM_001425218.1); c.-6+176T>C (NM_001382509.1); short protein forms S41G.
Identifiers: ClinVar variation 2072693 (VCV002072693.3), dbSNP rs1025258015, ClinGen allele CA260733596.
Genomic context (GRCh38, chr14:50,312,030, plus strand): 5'-GGCAGCAGCGCAGGCGGCGGGGAGGACCAGCGGCCACTCACCTGGTGCTGGCGCTGCGGC[T>C]ACCTCCACACAGCGGTCTTGGCCTCCCAGACGCGAACCCGCACGCCCCAGGGGAGCCACC-3'
Protein context (NP_079160.1, residues 31-51): SGRPRPLCGG[Ser41Gly]RSASTSSFDI